The following is an entry in ClinVar:

ClinVar aggregate classification (germline): Uncertain significance. Review status: criteria provided, multiple submitters, no conflicts (2 of 4 stars). 2 submissions from 2 submitters: Uncertain significance (2). Last evaluated 2024-03-02.

Conditions:
Hereditary pancreatitis (PCTT). Also called: Hereditary chronic pancreatitis; PRSS1-Related Hereditary Pancreatitis. Identifiers: Orphanet 676, MedGen C0238339, MONDO:0008185, OMIM 167800.

Allele frequency attached by ClinVar (database versions not stated): gnomAD exomes below 0.00001; TOPMed below 0.00001; gnomAD 0.00001.
gnomAD v4.1: 2 of 1,614,040 alleles (0.00012%); highest among the groups gnomAD compares: Non-Finnish European, 0.00017%; no homozygotes.

Submissions (2):

Labcorp Genetics (formerly Invitae), Labcorp
Classification: Uncertain significance. Last evaluated: 2024-03-02. Review status: criteria provided, single submitter. Criteria: Invitae Variant Classification Sherloc (09022015). Collection method: clinical testing. Allele origin: germline.
Comment: This sequence change replaces glutamine, which is neutral and polar, with histidine, which is basic and polar, at codon 395 of the CPA1 protein (p.Gln395His). This variant is not present in population databases (gnomAD no frequency). This variant has not been reported in the literature in individuals affected with CPA1-related conditions. ClinVar contains an entry for this variant (Variation ID: 1743311). Advanced modeling of protein sequence and biophysical properties (such as structural, functional, and spatial information, amino acid conservation, physicochemical variation, residue mobility, and thermodynamic stability) has been performed at Invitae for this missense variant, however the output from this modeling did not meet the statistical confidence thresholds required to predict the impact of this variant on CPA1 protein function. In summary, the available evidence is currently insufficient to determine the role of this variant in disease. Therefore, it has been classified as a Variant of Uncertain Significance.

Ambry Genetics
Classification: Uncertain significance for Hereditary pancreatitis. Last evaluated: 2021-09-30. Review status: criteria provided, single submitter. Criteria: Ambry Variant Classification Scheme 2023. Collection method: clinical testing. Allele origin: germline.
Comment: The p.Q395H variant (also known as c.1185G>T), located in coding exon 10 of the CPA1 gene, results from a G to T substitution at nucleotide position 1185. The glutamine at codon 395 is replaced by histidine, an amino acid with highly similar properties. This amino acid position is conserved. In addition, the in silico prediction for this alteration is inconclusive. Since supporting evidence is limited at this time, the clinical significance of this alteration remains unclear.

NM_001868.4(CPA1):c.1185G>T (p.Gln395His)

Gene: CPA1 (carboxypeptidase A1; plus strand). Cytogenetic location: 7q32.2.
Variant type: single nucleotide variant.
Coding change: c.1185G>T on transcript NM_001868.4 (MANE Select); coding-DNA position 1185, G replaced by T.
Protein change: p.Gln395His; replaces glutamine 395 with histidine.
Molecular consequence: missense variant.
Genome position (GRCh38, 1-based): chr7:130,387,936, G>T. VCF-style: chr7-130387936-G-T. GRCh37 (hg19) VCF-style: chr7-130027777-G-T.
Other names: short protein forms Q395H.
Identifiers: ClinVar variation 1743311 (VCV001743311.5), dbSNP rs1796501500, ClinGen allele CA369284444.
Genomic context (GRCh38, chr7:130,387,936, plus strand): 5'-CTCCTTCACCTTCGAGCTCCGGGACACTGGGCGCTATGGCTTCCTGCTGCCAGCCTCCCA[G>T]ATCATCCCCACAGCCAAGGAGACGTGGCTGGCGCTTCTGACCATCATGGAGCACACCCTG-3'
Protein context (NP_001859.1, residues 385-405): GRYGFLLPAS[Gln395His]IIPTAKETWL